The following is an entry in ClinVar:

ClinVar aggregate classification (germline): Likely benign. Review status: criteria provided, single submitter (1 of 4 stars). 2 submissions from 2 submitters: Likely benign (1). 1 of the submissions does not count toward it. Last evaluated 2025-12-28.

Conditions:
MED12-Related Disorders. Also called: MED12-related disorder; MED12-related condition. Identifiers: MedGen CN381102.
FG syndrome (FGS). Identifiers: MedGen C0220769, MONDO:0002010.

Submissions (2):

Labcorp Genetics (formerly Invitae), Labcorp
Classification: Likely benign for FG syndrome. Last evaluated: 2025-12-28. Review status: criteria provided, single submitter. Criteria: Invitae Variant Classification Sherloc (09022015). Collection method: clinical testing. Allele origin: germline.

PreventionGenetics, part of Exact Sciences
Classification: Likely benign for MED12-related condition. Last evaluated: 2019-05-08. Review status: no assertion criteria provided. Collection method: clinical testing. Allele origin: germline. Not counted in ClinVar's aggregate classification.
Comment: This variant is classified as likely benign based on ACMG/AMP sequence variant interpretation guidelines (Richards et al. 2015 PMID: 25741868, with internal and published modifications).

NM_005120.3(MED12):c.4416-42_4416-9del

Gene: MED12 (mediator complex subunit 12; plus strand). Cytogenetic location: Xq13.1.
Variant type: Deletion.
Coding change: c.4416-42_4416-9del on transcript NM_005120.3 (MANE Select); 42 bases into the intron before coding-DNA position 4416 through 9 bases into the intron before coding-DNA position 4416, 34 bases deleted.
Molecular consequence: intron variant.
Genome position (GRCh38, 1-based): chrX:71,132,803-71,132,836, 34 bases deleted; deleting any 34 consecutive bases within chrX:71,132,796-71,132,836 gives the same sequence; the c. name uses the placement nearest the transcript's 3' end. GRCh37 (hg19): chrX:70,352,653-70,352,686.
Other names: c.4416-42_4416-9del34 (NM_005120.2).
Identifiers: ClinVar variation 2046256 (VCV002046256.6), dbSNP rs769835998, ClinGen allele CA10444640.
Genomic context (GRCh38, chrX:71,132,795, plus strand): 5'-CACAGTCTCCCTTTTCTCCTCTCCTCTTCTCTCCTCTTCTCTTCTCTTCTCTTCTCTTCT[CTTCTCTTCTCTTCTCTTCTCTTCTCTTCTCTTCT>C]TTCTCTTGTCTCTAGCATGTCCCTATTGAGCCAGCAGCCCTTCTTATCGCTGGTGCTAAC-3'